The following is an entry in ClinVar:

NM_001374736.1(DST):c.4750C>T (p.Arg1584Trp)

Gene: DST (dystonin; minus strand). Cytogenetic location: 6p12.1.
Variant type: single nucleotide variant.
Coding change: c.4750C>T on transcript NM_001374736.1 (MANE Select); coding-DNA position 4750, C replaced by T.
Protein change: p.Arg1584Trp; replaces arginine 1584 with tryptophan.
Molecular consequence: missense variant.
Genome position (GRCh38, 1-based): chr6:56,625,237, G>A on the plus strand (C>T on the coding strand, the complement: DST is on the minus strand). VCF-style: chr6-56625237-G-A. GRCh37 (hg19) VCF-style: chr6-56490035-G-A.
Other names: c.4651C>T, p.Arg1551Trp (NM_001144769.5); c.4237C>T, p.Arg1413Trp (NM_001144770.2); c.4750C>T, p.Arg1584Trp (NM_001374722.1); c.4117C>T, p.Arg1373Trp (NM_001374729.1, NM_001374730.1, NM_001386100.1 and 1 more transcripts); c.4777C>T, p.Arg1593Trp (NM_001374734.1); c.3139C>T, p.Arg1047Trp (NM_001723.7, NM_015548.5); short protein forms R1047W, R1551W, R1413W, R1373W, R1584W, R1593W.
Identifiers: ClinVar variation 357593 (VCV000357593.12), dbSNP rs200735287, ClinGen allele CA3870810.

ClinVar aggregate classification (germline): Uncertain significance. Review status: criteria provided, multiple submitters, no conflicts (2 of 4 stars). 2 submissions from 2 submitters: Uncertain significance (2). Last evaluated 2022-06-23.

Conditions:
Epidermolysis bullosa simplex 3, localized or generalized intermediate, with BP230 deficiency (EBS3). Also called: Epidermolysis bullosa simplex, autosomal recessive 2; Epidermolysis bullosa simplex due to BP230 deficiency. Identifiers: Orphanet 412181, MedGen C3809470, MONDO:0014180, OMIM 615425.
Hereditary sensory and autonomic neuropathy type 6. Also called: HSAN VI; Neuropathy, hereditary sensory and autonomic, type VI. Identifiers: Orphanet 314381, MedGen C3539003, MONDO:0013839, OMIM 614653.
Inborn genetic diseases. Identifiers: MedGen C0950123, MeSH D030342.

Allele frequency attached by ClinVar (database versions not stated): ExAC 0.00002; gnomAD 0.00003; TOPMed 0.00003; gnomAD exomes 0.00004; ESP Exome Variant Server 0.00008.
gnomAD v4.1: 58 of 1,612,816 alleles (0.0036%); highest among the groups gnomAD compares: East Asian, 0.02%; no homozygotes.

Submissions (2):

Labcorp Genetics (formerly Invitae), Labcorp
Classification: Uncertain significance for Epidermolysis bullosa simplex 3, localized or generalized intermediate, with BP230 deficiency; Hereditary sensory and autonomic neuropathy type 6. Last evaluated: 2022-06-23. Review status: criteria provided, single submitter. Criteria: Invitae Variant Classification Sherloc (09022015). Collection method: clinical testing. Allele origin: germline.
Comment: This sequence change replaces arginine, which is basic and polar, with tryptophan, which is neutral and slightly polar, at codon 1047 of the DST protein (p.Arg1047Trp). This variant is present in population databases (rs200735287, gnomAD 0.008%). This variant has not been reported in the literature in individuals affected with DST-related conditions. ClinVar contains an entry for this variant (Variation ID: 357593). Algorithms developed to predict the effect of missense changes on protein structure and function are either unavailable or do not agree on the potential impact of this missense change (SIFT: "Deleterious"; PolyPhen-2: "Benign"; Align-GVGD: "Class C65"). In summary, the available evidence is currently insufficient to determine the role of this variant in disease. Therefore, it has been classified as a Variant of Uncertain Significance.

Ambry Genetics
Classification: Uncertain significance for Inborn genetic diseases. Last evaluated: 2020-05-15. Review status: criteria provided, single submitter. Criteria: Ambry Variant Classification Scheme 2023. Collection method: clinical testing. Allele origin: germline.
Comment: The p.R1551W variant (also known as c.4651C>T), located in coding exon 34 of the DST gene, results from a C to T substitution at nucleotide position 4651. The arginine at codon 1551 is replaced by tryptophan, an amino acid with dissimilar properties. This amino acid position is highly conserved in available vertebrate species. In addition, the in silico prediction for this alteration is inconclusive. Since supporting evidence is limited at this time, the clinical significance of this alteration remains unclear.